The following is an entry in ClinVar:

NM_000445.5(PLEC):c.128G>C (p.Gly43Ala)

Gene: PLEC (plectin; minus strand). Cytogenetic location: 8q24.3.
Variant type: single nucleotide variant.
Coding change: c.128G>C on transcript NM_000445.5; coding-DNA position 128, G replaced by C.
Protein change: p.Gly43Ala; replaces glycine 43 with alanine.
Molecular consequence: missense variant.
Genome position (GRCh38, 1-based): chr8:143,975,242, C>G on the plus strand (G>C on the coding strand, the complement: PLEC is on the minus strand). VCF-style: chr8-143975242-C-G. GRCh37 (hg19) VCF-style: chr8-145049410-C-G.
Other names: c.128G>C, p.Gly43Ala (NM_001410941.1); short protein forms G43A.
Identifiers: ClinVar variation 1968164 (VCV001968164.6), dbSNP rs781980239, ClinGen allele CA4929152.
Genomic context (GRCh38, chr8:143,975,242, plus strand): 5'-ATGCGAATGACCGCCCGCTCAGCTGGGTCCAGGACACTCCCGTTGCTCCCAGCGCCACCC[C>G]CGCTGCGCCGGCTCCGCTGCGTTTTCCCAAGGTTCCAGGGCAGTGTGTCCCCAGGGCTGG-3'

ClinVar aggregate classification (germline): Uncertain significance. Review status: criteria provided, multiple submitters, no conflicts (2 of 4 stars). 2 submissions from 2 submitters: Uncertain significance (2). Last evaluated 2026-01-23.

Conditions:
PLEC-related disorder. Also called: PLEC-related condition; PLEC-related disorders.
Epidermolysis bullosa simplex with nail dystrophy (EBS5D). Identifiers: MedGen C4225309, MONDO:0014661, OMIM 616487.
Epidermolysis bullosa simplex, Ogna type (EBS5A). Also called: Pidermolysis bullosa simplex 5A, Ogna type; EPIDERMOLYSIS BULLOSA SIMPLEX 5A, OGNA TYPE. Identifiers: Orphanet 79401, MedGen C0432317, MONDO:0007555, OMIM 131950.
Autosomal recessive limb-girdle muscular dystrophy type 2Q (LGMDR17). Also called: MUSCULAR DYSTROPHY, LIMB-GIRDLE, AUTOSOMAL RECESSIVE 17. Identifiers: Orphanet 254361, MedGen C3150989, MONDO:0013390, OMIM 613723.
Epidermolysis bullosa simplex 5B, with muscular dystrophy (EBS5B). Also called: Epidermolysis bullosa simplex with muscular dystrophy; EPIDERMOLYSIS BULLOSA SIMPLEX AND LIMB-GIRDLE MUSCULAR DYSTROPHY. Identifiers: Orphanet 257, MedGen C2931072, MONDO:0009181, OMIM 226670.
Epidermolysis bullosa simplex 5C, with pyloric atresia (EBS5C). Also called: PLEC-Related Epidermolysis Bullosa with Pyloric Atresia; Epidermolysis bullosa simplex with pyloric atresia; PLEC1-Related Epidermolysis Bullosa with Pyloric Atresia. Identifiers: Orphanet 158684, MedGen C2677349, MONDO:0012807, OMIM 612138.

gnomAD v4.1: 40 of 1,607,200 alleles (0.0025%); highest among the groups gnomAD compares: Non-Finnish European, 0.003%; no homozygotes.

Submissions (2):

PreventionGenetics, part of Exact Sciences
Classification: Uncertain significance for PLEC-related condition. Last evaluated: 2026-01-23. Review status: criteria provided, single submitter. Criteria: ACMG Guidelines, 2015. Collection method: clinical testing. Allele origin: germline.
Comment: The PLEC c.128G>C variant is predicted to result in the amino acid substitution p.Gly43Ala. To our knowledge, this variant has not been reported in the literature. This variant is reported in 0.0039% of alleles in individuals of European (Non-Finnish) descent in gnomAD. At this time, the clinical significance of this variant is uncertain due to the absence of conclusive functional and genetic evidence.

Labcorp Genetics (formerly Invitae), Labcorp
Classification: Uncertain significance for Autosomal recessive limb-girdle muscular dystrophy type 2Q; Epidermolysis bullosa simplex, Ogna type; Epidermolysis bullosa simplex with nail dystrophy; Epidermolysis bullosa simplex 5C, with pyloric atresia; Epidermolysis bullosa simplex 5B, with muscular dystrophy. Last evaluated: 2025-11-16. Review status: criteria provided, single submitter. Criteria: Invitae Variant Classification Sherloc (09022015). Collection method: clinical testing. Allele origin: germline.
Comment: This sequence change replaces glycine, which is neutral and non-polar, with alanine, which is neutral and non-polar, at codon 43 of the PLEC protein (p.Gly43Ala). This variant is present in population databases (rs781980239, gnomAD 0.004%). This variant has not been reported in the literature in individuals affected with PLEC-related conditions. ClinVar contains an entry for this variant (Variation ID: 1968164). Experimental studies and prediction algorithms are not available or were not evaluated, and the functional significance of this variant is currently unknown. In summary, the available evidence is currently insufficient to determine the role of this variant in disease. Therefore, it has been classified as a Variant of Uncertain Significance.